The following is an entry in ClinVar:

ClinVar aggregate classification (germline): Uncertain significance. Review status: criteria provided, multiple submitters, no conflicts (2 of 4 stars). 3 submissions from 3 submitters: Uncertain significance (3). Last evaluated 2025-03-27.

Conditions:
Inborn genetic diseases. Identifiers: MedGen C0950123, MeSH D030342.

Allele frequency attached by ClinVar (database versions not stated): ExAC 0.00002; gnomAD exomes 0.00002; TOPMed 0.00002; gnomAD 0.00003.
gnomAD v4.1: 36 of 1,612,850 alleles (0.0022%); highest among the groups gnomAD compares: East Asian, 0.0089%; no homozygotes.

Submissions (3):

Ambry Genetics
Classification: Uncertain significance for Inborn genetic diseases. Last evaluated: 2025-03-27. Review status: criteria provided, single submitter. Criteria: Ambry Variant Classification Scheme 2023. Collection method: clinical testing. Allele origin: germline.

CeGaT Center for Human Genetics Tuebingen
Classification: Uncertain significance. Last evaluated: 2023-03-01. Review status: criteria provided, single submitter. Criteria: CeGaT Center For Human Genetics Tuebingen Variant Classification Criteria Version 2. Collection method: clinical testing. Allele origin: germline. Affected: yes. Observed: 1 variant allele.
Comment: OBSL1: PM2

Labcorp Genetics (formerly Invitae), Labcorp
Classification: Uncertain significance. Last evaluated: 2022-03-27. Review status: criteria provided, single submitter. Criteria: Invitae Variant Classification Sherloc (09022015). Collection method: clinical testing. Allele origin: germline.
Comment: This sequence change replaces arginine, which is basic and polar, with glutamine, which is neutral and polar, at codon 1199 of the OBSL1 protein (p.Arg1199Gln). This variant is present in population databases (no rsID available, gnomAD 0.01%). This variant has not been reported in the literature in individuals affected with OBSL1-related conditions. Algorithms developed to predict the effect of missense changes on protein structure and function are either unavailable or do not agree on the potential impact of this missense change (SIFT: "Tolerated"; PolyPhen-2: "Probably Damaging"; Align-GVGD: "Class C0"). In summary, the available evidence is currently insufficient to determine the role of this variant in disease. Therefore, it has been classified as a Variant of Uncertain Significance.

NM_015311.3(OBSL1):c.3596G>A (p.Arg1199Gln)

Gene: OBSL1 (obscurin like cytoskeletal adaptor 1; minus strand). Cytogenetic location: 2q35.
Variant type: single nucleotide variant.
Coding change: c.3596G>A on transcript NM_015311.3 (MANE Select); coding-DNA position 3596, G replaced by A.
Protein change: p.Arg1199Gln; replaces arginine 1199 with glutamine.
Molecular consequence: missense variant.
Genome position (GRCh38, 1-based): chr2:219,558,017, C>T on the plus strand (G>A on the coding strand, the complement: OBSL1 is on the minus strand). VCF-style: chr2-219558017-C-T. GRCh37 (hg19) VCF-style: chr2-220422739-C-T.
Other names: c.3596G>A, p.Arg1199Gln (NM_001173431.2); c.3596G>A (NM_015311.2); short protein forms R1199Q.
Identifiers: ClinVar variation 1918058 (VCV001918058.26), dbSNP rs966487354, ClinGen allele CA2130808.